The following is an entry in ClinVar:

ClinVar aggregate classification (germline): Uncertain significance (1 of 4 stars; one submission).

Conditions:
Achondrogenesis, type IA (ACG1A). Identifiers: Orphanet 932, Orphanet 93299, MedGen C0265273, MONDO:0008701, OMIM 200600.

Allele frequency attached by ClinVar (database versions not stated): TOPMed below 0.00001.
gnomAD v4.1: 1 of 1,614,078 alleles (0.000062%); no homozygotes.

Submission:

Labcorp Genetics (formerly Invitae), Labcorp
Classification: Uncertain significance for Achondrogenesis, type IA. Last evaluated: 2022-07-12. Review status: criteria provided, single submitter. Criteria: Invitae Variant Classification Sherloc (09022015). Collection method: clinical testing. Allele origin: germline.
Comment: This sequence change replaces glutamic acid, which is acidic and polar, with lysine, which is basic and polar, at codon 385 of the TRIP11 protein (p.Glu385Lys). This variant is not present in population databases (gnomAD no frequency). This variant has not been reported in the literature in individuals affected with TRIP11-related conditions. ClinVar contains an entry for this variant (Variation ID: 1471058). Algorithms developed to predict the effect of missense changes on protein structure and function output the following: SIFT: "Not Available"; PolyPhen-2: "Benign"; Align-GVGD: "Not Available". The lysine amino acid residue is found in multiple mammalian species, which suggests that this missense change does not adversely affect protein function. In summary, the available evidence is currently insufficient to determine the role of this variant in disease. Therefore, it has been classified as a Variant of Uncertain Significance.

NM_004239.4(TRIP11):c.1153G>A (p.Glu385Lys)

Gene: TRIP11 (thyroid hormone receptor interactor 11; minus strand). Cytogenetic location: 14q32.12.
Variant type: single nucleotide variant.
Coding change: c.1153G>A on transcript NM_004239.4 (MANE Select); coding-DNA position 1153, G replaced by A.
Protein change: p.Glu385Lys; replaces glutamic acid 385 with lysine.
Molecular consequence: missense variant.
Genome position (GRCh38, 1-based): chr14:92,014,248, C>T on the plus strand (G>A on the coding strand, the complement: TRIP11 is on the minus strand). VCF-style: chr14-92014248-C-T. GRCh37 (hg19) VCF-style: chr14-92480592-C-T.
Other names: c.1150G>A, p.Glu384Lys (NM_001321851.1); short protein forms E384K, E385K.
Identifiers: ClinVar variation 1471058 (VCV001471058.8), dbSNP rs2057008669, ClinGen allele CA390663739.